The following is an entry in ClinVar:

NM_000275.3(OCA2):c.1364+1G>T

Gene: OCA2 (OCA2 melanosomal transmembrane protein; minus strand). Cytogenetic location: 15q13.1.
Variant type: single nucleotide variant.
Coding change: c.1364+1G>T on transcript NM_000275.3 (MANE Select); the canonical splice donor site of the intron after coding-DNA position 1364, G replaced by T.
Molecular consequence: splice donor variant.
Genome position (GRCh38, 1-based): chr15:27,985,063, C>A on the plus strand (G>T on the coding strand, the complement: OCA2 is on the minus strand). VCF-style: chr15-27985063-C-A. GRCh37 (hg19) VCF-style: chr15-28230209-C-A.
Other names: c.1292+1G>T (NM_001300984.2).
Identifiers: ClinVar variation 4710154 (VCV004710154.1).

ClinVar aggregate classification (germline): Likely pathogenic (1 of 4 stars; one submission).

gnomAD v4.1: 2 of 1,613,706 alleles (0.00012%); highest among the groups gnomAD compares: Non-Finnish European, 0.000085%; no homozygotes.

Submission:

Labcorp Genetics (formerly Invitae), Labcorp
Classification: Likely pathogenic. Last evaluated: 2026-01-27. Review status: criteria provided, single submitter. Criteria: Invitae Variant Classification Sherloc (09022015). Collection method: clinical testing. Allele origin: germline.
Comment: This sequence change affects a donor splice site in intron 13 of the OCA2 gene. It is expected to disrupt RNA splicing. Variants that disrupt the donor or acceptor splice site typically lead to a loss of protein function (PMID: 16199547), and loss-of-function variants in OCA2 are known to be pathogenic (PMID: 19865097, 21541274). This variant is present in population databases (rs781496519, gnomAD 0.007%). Disruption of this splice site has been observed in individual(s) with oculocutaneous albinism (PMID: 26573111, 27734839). Algorithms developed to predict the effect of sequence changes on RNA splicing suggest that this variant may disrupt the consensus splice site. In summary, the currently available evidence indicates that the variant is pathogenic, but additional data are needed to prove that conclusively. Therefore, this variant has been classified as Likely Pathogenic.

Literature cited by the submitters: PubMed 16199547; PubMed 19865097; PubMed 21541274; PubMed 26573111; PubMed 27734839.